The following is an entry in ClinVar:

ClinVar aggregate classification (germline): Uncertain significance. Review status: criteria provided, multiple submitters, no conflicts (2 of 4 stars). 2 submissions from 2 submitters: Uncertain significance (2). Last evaluated 2020-07-06.

Conditions:
Autosomal recessive limb-girdle muscular dystrophy type 2J (LGMDR10). Also called: Limb-girdle muscular dystrophy, type 2J; MUSCULAR DYSTROPHY, LIMB-GIRDLE, AUTOSOMAL RECESSIVE 10. Identifiers: Orphanet 140922, MedGen C1837342, MONDO:0012127, OMIM 608807.
Dilated cardiomyopathy 1G (CMD1G). Identifiers: Orphanet 154, MedGen C1858763, MONDO:0011400, OMIM 604145.
Cardiovascular phenotype. Identifiers: MedGen CN230736.

Allele frequency attached by ClinVar (database versions not stated): TOPMed below 0.00001.

Submissions (2):

Ambry Genetics
Classification: Uncertain significance for Cardiovascular phenotype. Last evaluated: 2020-07-06. Review status: criteria provided, single submitter. Criteria: Ambry Variant Classification Scheme 2023. Collection method: clinical testing. Allele origin: germline.
Comment: The p.E1167Q variant (also known as c.3499G>C), located in coding exon 20 of the TTN gene, results from a G to C substitution at nucleotide position 3499. The glutamic acid at codon 1167 is replaced by glutamine, an amino acid with highly similar properties. This amino acid position is poorly conserved in available vertebrate species. In addition, this alteration is predicted to be tolerated by in silico analysis. Since supporting evidence is limited at this time, the clinical significance of this alteration remains unclear.

Labcorp Genetics (formerly Invitae), Labcorp
Classification: Uncertain significance for Dilated cardiomyopathy 1G; Autosomal recessive limb-girdle muscular dystrophy type 2J. Last evaluated: 2017-05-03. Review status: criteria provided, single submitter. Criteria: Invitae Variant Classification Sherloc (09022015). Collection method: clinical testing. Allele origin: germline.

NM_001267550.2(TTN):c.3637G>C (p.Glu1213Gln)

Gene: TTN (titin; minus strand). Cytogenetic location: 2q31.2.
Variant type: single nucleotide variant.
Coding change: c.3637G>C on transcript NM_001267550.2 (MANE Select); coding-DNA position 3637, G replaced by C.
Protein change: p.Glu1213Gln; replaces glutamic acid 1213 with glutamine.
Molecular consequence: missense variant.
Genome position (GRCh38, 1-based): chr2:178,780,092, C>G on the plus strand (G>C on the coding strand, the complement: TTN is on the minus strand). VCF-style: chr2-178780092-C-G. GRCh37 (hg19) VCF-style: chr2-179644819-C-G.
Other names: c.3637G>C, p.Glu1213Gln (NM_001256850.1, NM_133378.4, NM_133379.5); c.3499G>C, p.Glu1167Gln (NM_003319.4, NM_133432.3, NM_133437.4); short protein forms E1213Q, E1167Q.
Identifiers: ClinVar variation 467071 (VCV000467071.5), dbSNP rs1043395012, ClinGen allele CA60979883.
Genomic context (GRCh38, chr2:178,780,092, plus strand): 5'-TATCTTTGGCCATTTTCTTCCTAATTAAGGCTTGTTCTTTTTCATACTCTTTTTCATACT[C>G]AGAGTATACAAATCCAGGTGCTGTTTCTCCAACTTTAGGTTCTTGAACAAATGCAGTCAC-3'
Protein context (NP_001254479.2, residues 1203-1223): GETAPGFVYS[Glu1213Gln]YEKEYEKEQA